The following is an entry in ClinVar:

NM_001171.6(ABCC6):c.3140G>A (p.Arg1047His)

Gene: ABCC6 (ATP binding cassette subfamily C member 6; minus strand). Cytogenetic location: 16p13.11.
Variant type: single nucleotide variant.
Coding change: c.3140G>A on transcript NM_001171.6 (MANE Select); coding-DNA position 3140, G replaced by A.
Protein change: p.Arg1047His; replaces arginine 1047 with histidine.
Molecular consequence: missense variant. On other transcripts: non-coding transcript variant (1).
Genome position (GRCh38, 1-based): chr16:16,165,789, C>T on the plus strand (G>A on the coding strand, the complement: ABCC6 is on the minus strand). VCF-style: chr16-16165789-C-T. GRCh37 (hg19) VCF-style: chr16-16259646-C-T.
Other names: c.2798G>A, p.Arg933His (NM_001351800.1); short protein forms R1047H, R933H.
Identifiers: ClinVar variation 3676011 (VCV003676011.2).

ClinVar aggregate classification (germline): Uncertain significance (1 of 4 stars; one submission).

gnomAD v4.1: 7 of 1,613,596 alleles (0.00043%); highest among the groups gnomAD compares: East Asian, 0.0022%; no homozygotes.

Submission:

Labcorp Genetics (formerly Invitae), Labcorp
Classification: Uncertain significance. Last evaluated: 2024-04-29. Review status: criteria provided, single submitter. Criteria: Invitae Variant Classification Sherloc (09022015). Collection method: clinical testing. Allele origin: germline.
Comment: This sequence change replaces arginine, which is basic and polar, with histidine, which is basic and polar, at codon 1047 of the ABCC6 protein (p.Arg1047His). This variant is not present in population databases (gnomAD no frequency). This variant has not been reported in the literature in individuals affected with ABCC6-related conditions. Advanced modeling of protein sequence and biophysical properties (such as structural, functional, and spatial information, amino acid conservation, physicochemical variation, residue mobility, and thermodynamic stability) performed at Invitae indicates that this missense variant is expected to disrupt ABCC6 protein function with a positive predictive value of 95%. In summary, the available evidence is currently insufficient to determine the role of this variant in disease. Therefore, it has been classified as a Variant of Uncertain Significance.